The following is an entry in ClinVar:

NM_152383.5(DIS3L2):c.2607G>C (p.Glu869Asp)

Gene: DIS3L2 (DIS3 like 3'-5' exoribonuclease 2; plus strand). Cytogenetic location: 2q37.1.
Variant type: single nucleotide variant.
Coding change: c.2607G>C on transcript NM_152383.5 (MANE Select); coding-DNA position 2607, G replaced by C.
Protein change: p.Glu869Asp; replaces glutamic acid 869 with aspartic acid.
Molecular consequence: missense variant. On other transcripts: non-coding transcript variant (2), intron variant (1).
Genome position (GRCh38, 1-based): chr2:232,336,579, G>C. VCF-style: chr2-232336579-G-C. GRCh37 (hg19) VCF-style: chr2-233201289-G-C.
Other names: c.1582-6766G>C (NM_001257281.2); short protein forms E869D.
Identifiers: ClinVar variation 1486977 (VCV001486977.8), dbSNP rs2106357409, ClinGen allele CA350979056.

ClinVar aggregate classification (germline): Uncertain significance (1 of 4 stars; one submission).

Conditions:
Perlman syndrome (PRLMNS). Identifiers: Orphanet 2849, MedGen C0796113, MONDO:0009965, OMIM 267000.

Submission:

Labcorp Genetics (formerly Invitae), Labcorp
Classification: Uncertain significance for Perlman syndrome. Last evaluated: 2022-10-24. Review status: criteria provided, single submitter. Criteria: Invitae Variant Classification Sherloc (09022015). Collection method: clinical testing. Allele origin: germline.
Comment: In summary, the available evidence is currently insufficient to determine the role of this variant in disease. Therefore, it has been classified as a Variant of Uncertain Significance. Algorithms developed to predict the effect of missense changes on protein structure and function are either unavailable or do not agree on the potential impact of this missense change (SIFT: "Tolerated"; PolyPhen-2: "Not Available"; Align-GVGD: "Class C0"). This sequence change replaces glutamic acid, which is acidic and polar, with aspartic acid, which is acidic and polar, at codon 869 of the DIS3L2 protein (p.Glu869Asp). This variant is not present in population databases (gnomAD no frequency). This variant has not been reported in the literature in individuals affected with DIS3L2-related conditions. ClinVar contains an entry for this variant (Variation ID: 1486977).